The following is an entry in ClinVar:

NM_004304.5(ALK):c.848T>C (p.Leu283Pro)

Gene: ALK (ALK receptor tyrosine kinase; minus strand). Cytogenetic location: 2p23.2.
Variant type: single nucleotide variant.
Coding change: c.848T>C on transcript NM_004304.5 (MANE Select); coding-DNA position 848, T replaced by C.
Protein change: p.Leu283Pro; replaces leucine 283 with proline.
Molecular consequence: missense variant.
Genome position (GRCh38, 1-based): chr2:29,694,954, A>G on the plus strand (T>C on the coding strand, the complement: ALK is on the minus strand). VCF-style: chr2-29694954-A-G. GRCh37 (hg19) VCF-style: chr2-29917820-A-G.
Other names: short protein forms L283P.
Identifiers: ClinVar variation 3854136 (VCV003854136.1).

ClinVar aggregate classification (germline): Uncertain significance (1 of 4 stars; one submission).

Conditions:
Hereditary cancer-predisposing syndrome. Also called: Hereditary neoplastic syndrome; Neoplastic Syndromes, Hereditary; Tumor predisposition; Hereditary Cancer Syndrome. Identifiers: Orphanet 140162, MedGen C0027672, MeSH D009386, MONDO:0015356.

Submission:

Ambry Genetics
Classification: Uncertain significance for Hereditary cancer-predisposing syndrome. Last evaluated: 2025-02-24. Review status: criteria provided, single submitter. Criteria: Ambry Variant Classification Scheme 2023. Collection method: clinical testing. Allele origin: germline.
Comment: The p.L283P variant (also known as c.848T>C), located in coding exon 3 of the ALK gene, results from a T to C substitution at nucleotide position 848. The leucine at codon 283 is replaced by proline, an amino acid with similar properties. This amino acid position is conserved. In addition, this alteration is predicted to be tolerated by in silico analysis. Based on the available evidence, the clinical significance of this variant remains unclear.